The following is an entry in ClinVar:

ClinVar aggregate classification (germline): Uncertain significance (1 of 4 stars; one submission).

Conditions:
POLD1-related polyposis and colorectal cancer syndrome (CRCS10). Also called: COLORECTAL CANCER, SUSCEPTIBILITY TO, ON CHROMOSOME 19q; Colorectal cancer 10; Colorectal cancer, susceptibility to, 10. Identifiers: Orphanet 220460, MedGen C2675481, MONDO:0012953, OMIM 612591.

Submission:

Labcorp Genetics (formerly Invitae), Labcorp
Classification: Uncertain significance for POLD1-related polyposis and colorectal cancer syndrome. Last evaluated: 2025-10-31. Review status: criteria provided, single submitter. Criteria: Invitae Variant Classification Sherloc (09022015). Collection method: clinical testing. Allele origin: germline.
Comment: This sequence change creates a premature translational stop signal (p.Leu839Profs*20) in the POLD1 gene. Missense variants that disrupt the 3'-5' exonuclease (proof-reading) activity of the POLD1 protein are associated with PPAP (polymerase proofreading–associated polyposis) (PMID: 23263490, 23447401). However, loss-of-function variants that result in an absent or severely disrupted POLD1 protein, and missense variants outside the exonuclease domain, are unlikely to be associated with PPAP. This variant is not present in population databases (gnomAD no frequency). This variant has not been reported in the literature in individuals affected with POLD1-related conditions. In summary, the available evidence is currently insufficient to determine the role of this variant in disease. Therefore, it has been classified as a Variant of Uncertain Significance.

Literature cited by the submitters: PubMed 23263490; PubMed 23447401.

NM_002691.4(POLD1):c.2515dup (p.Leu839fs)

Gene: POLD1 (DNA polymerase delta 1, catalytic subunit; plus strand). Cytogenetic location: 19q13.33.
Variant type: Duplication.
Coding change: c.2515dup on transcript NM_002691.4 (MANE Select); coding-DNA position 2515, one base duplicated (C; older notation c.2515dupC).
Protein change: p.Leu839fs; shifts the reading frame from leucine 839.
Molecular consequence: frameshift variant. On other transcripts: non-coding transcript variant (1).
Genome position (GRCh38, 1-based): chr19:50,414,941, C duplicated; the last of 5 consecutive C bases (chr19:50,414,937-50,414,941); duplicating any one gives the same sequence. VCF-style (leftmost placement, unchanged base first): chr19-50414936-G-GC. GRCh37 (hg19) VCF-style: chr19-50918193-G-GC.
Other names: c.2515dup, p.Leu839fs (NM_001256849.1, NM_001438212.1, NM_001438213.1); c.2593dup, p.Leu865fs (NM_001308632.1); c.2443dup, p.Leu815fs (NM_001438210.1, NM_001438211.1); short protein forms L839fs, L815fs, L865fs.
Identifiers: ClinVar variation 4720635 (VCV004720635.1).